The following is an entry in ClinVar:

ClinVar aggregate classification (germline): Conflicting classifications of pathogenicity. Review status: criteria provided, conflicting classifications (1 of 4 stars). 3 submissions from 3 submitters: Likely pathogenic (1); Uncertain significance (2). Last evaluated 2025-05-22.

Conditions:
Hereditary cancer-predisposing syndrome. Also called: Tumor predisposition; Neoplastic Syndromes, Hereditary; Hereditary Cancer Syndrome; Hereditary neoplastic syndrome. Identifiers: Orphanet 140162, MedGen C0027672, MeSH D009386, MONDO:0015356.
Familial melanoma. Also called: Hereditary melanoma; Hereditary cutaneous melanoma. Identifiers: Orphanet 618, MedGen C1512419, MONDO:0018961.
CDKN2A-related disorder. Also called: CDKN2A-related condition.

Submissions (3):

Labcorp Genetics (formerly Invitae), Labcorp
Classification: Uncertain significance for Familial melanoma. Last evaluated: 2025-05-22. Review status: criteria provided, single submitter. Criteria: Invitae Variant Classification Sherloc (09022015). Collection method: clinical testing. Allele origin: germline.
Comment: The CDKN2A gene encodes two different proteins, p16INK4a and p14ARF, which are translated from alternative transcripts with different open reading frames. Both transcripts have been analyzed. We report either the variant with the higher classification or default to the CDKN2A (p16INK4a) variant. This report therefore includes the details for the CDKN2A (p16INK4a) variant. This sequence change replaces alanine, which is neutral and non-polar, with threonine, which is neutral and polar, at codon 86 of the CDKN2A (p16INK4a) protein (p.Ala86Thr). The frequency data for this variant in the population databases is considered unreliable, as metrics indicate poor data quality at this position in the gnomAD database. This missense change has been observed in individual(s) with melanoma (PMID: 19500876). This variant is also known as c.299G>A (p.Cys100Tyr) in CDKN2A (p14ARF) transcript. ClinVar contains an entry for this variant (Variation ID: 3489660). An algorithm developed to predict the effect of missense changes on protein structure and function (PolyPhen-2) suggests that this variant is likely to be disruptive. Experimental studies are conflicting or provide insufficient evidence to determine the effect of this variant on CDKN2A (p16INK4a) function (PMID: 8573142). In summary, the available evidence is currently insufficient to determine the role of this variant in disease. Therefore, it has been classified as a Variant of Uncertain Significance.

Ambry Genetics
Classification: Uncertain significance for Hereditary cancer-predisposing syndrome. Last evaluated: 2024-06-28. Review status: criteria provided, single submitter. Criteria: Ambry Variant Classification Scheme 2023. Collection method: clinical testing. Allele origin: germline.
Comment: The p.A86T variant (also known as c.256G>A), located in coding exon 2 of the CDKN2A gene, results from a G to A substitution at nucleotide position 256. The alanine at codon 86 is replaced by threonine, an amino acid with similar properties. Of note, this variant is also known as c.299G>A (p.C100Y) in the p14(ARF) isoform. This variant has been reported in an Italian family with multiple cases of melanoma and was absent from controls; however, specific clinical details were not provided (Bruno W et al. J Am Acad Dermatol, 2009 Nov;61:775-82). This amino acid position is highly conserved in available vertebrate species. In addition, this alteration is predicted to be deleterious by in silico analysis. Based on the available evidence, the clinical significance of this variant remains unclear.

Blueprint Genetics
Classification: Likely pathogenic for CDKN2A-related disorders. Last evaluated: 2024-05-17. Review status: criteria provided, single submitter. Criteria: ACMG Guidelines, 2015. Collection method: clinical testing. Allele origin: germline. Affected: yes. Observed: 2 variant alleles.

Literature cited by the submitters: PubMed 19500876 (cited by Labcorp Genetics (formerly Invitae), Labcorp and Ambry Genetics); PubMed 8573142 (cited by Labcorp Genetics (formerly Invitae), Labcorp); PubMed 32760473 (cited by Ambry Genetics).

NM_000077.5(CDKN2A):c.256G>A (p.Ala86Thr)

Gene: CDKN2A (cyclin dependent kinase inhibitor 2A; minus strand). Cytogenetic location: 9p21.3.
Variant type: single nucleotide variant.
Coding change: c.256G>A on transcript NM_000077.5; coding-DNA position 256, G replaced by A.
Protein change: p.Ala86Thr; replaces alanine 86 with threonine.
Molecular consequence: missense variant (on NM_000077.6). On other transcripts: 3 prime UTR variant (1).
Genome position (GRCh38, 1-based): chr9:21,971,103, C>T on the plus strand (G>A on the coding strand, the complement: CDKN2A is on the minus strand). VCF-style: chr9-21971103-C-T. GRCh37 (hg19) VCF-style: chr9-21971102-C-T.
Other names: c.256G>A, p.Ala86Thr (NM_000077.6, NM_001195132.2); c.103G>A, p.Ala35Thr (NM_001363763.2); c.299G>A, p.Cys100Tyr (NM_058195.4); c.*179G>A (NM_058197.5); short protein forms A86T, C100Y, A35T.
Identifiers: ClinVar variation 3489660 (VCV003489660.3).